The following is an entry in ClinVar:

NM_001987.5(ETV6):c.131_132del (p.Glu44fs)

Gene: ETV6 (ETS variant transcription factor 6; plus strand). Cytogenetic location: 12p13.2.
Variant type: Deletion.
Coding change: c.131_132del on transcript NM_001987.5 (MANE Select); coding-DNA positions 131 to 132, 2 bases deleted (AG; older notation c.131_132delAG).
Protein change: p.Glu44fs; shifts the reading frame from glutamic acid 44.
Molecular consequence: frameshift variant. On other transcripts: intron variant (1).
Genome position (GRCh38, 1-based): chr12:11,752,547-11,752,548, AG deleted; deleting any 2 consecutive bases within chr12:11,752,546-11,752,548 gives the same sequence; the c. name uses the placement nearest the transcript's 3' end. VCF-style (leftmost placement, unchanged base first): chr12-11752545-GGA-G. GRCh37 (hg19) VCF-style: chr12-11905479-GGA-G.
Other names: c.128_129del, p.Glu43fs (NM_001413913.1); c.104_105del, p.Glu35fs (NM_001413914.1); c.131_132del, p.Glu44fs (NM_001413916.1, NM_001413917.1, NM_001413918.1); c.131_132delAG, p.Glu44Glyfs (NM_001987.4); c.-101-86593_-101-86592del (NM_001413915.1); short protein forms E43fs, E35fs, E44fs.
Identifiers: ClinVar variation 4842518 (VCV004842518.1).
Genomic context (GRCh38, chr12:11,752,545, plus strand): 5'-AGTGCCGAGTTACGCTTCCTCGACGCCACTTCATGTTCCAGTGCCTCGAGCGCTCAGGAT[GGA>G]GGAAGACTCGATCCGCCTGCCTGCGCACCTGCGTGAGTGTTCGTGACCCGAGAGGGACAG-3'

ClinVar aggregate classification (germline): Likely pathogenic (1 of 4 stars; one submission).

Conditions:
Inborn genetic diseases. Identifiers: MedGen C0950123, MeSH D030342.

Submission:

Ambry Genetics
Classification: Likely pathogenic for Inborn genetic diseases. Last evaluated: 2025-12-23. Review status: criteria provided, single submitter. Criteria: Ambry Variant Classification Scheme 2023. Collection method: clinical testing. Allele origin: germline.
Comment: The c.130_131del variant, located in coding exon 2 of the ETV6 gene, results from a deletion of two nucleotides at nucleotide positions 130 to 131, causing a translational frameshift with a predicted alternate stop codon. This alteration is expected to result in loss of function by premature protein truncation or nonsense-mediated mRNA decay. This variant was reported in individual(s) with features consistent with ALL (Moriyama T et al. Lancet Oncol, 2015 Dec;16:1659-66; Brady SW et al. Nat Genet, 2022 Sep;54:1376-1389). Functional study suggest this variant results in expression of a shortened ETV6 protein in vitro; however, additional evidence is needed to confirm this finding (Nishii R et al. Blood, 2021 Jan;137:364-373). This variant is considered to be rare based on population cohorts in the Genome Aggregation Database (gnomAD). Based on the majority of available evidence to date, this variant is likely to be pathogenic.